The following is an entry in ClinVar:

NM_004036.5(ADCY3):c.2577+10G>A

Gene: ADCY3 (adenylate cyclase 3; minus strand). Cytogenetic location: 2p23.3.
Variant type: single nucleotide variant.
Coding change: c.2577+10G>A on transcript NM_004036.5 (MANE Select); 10 bases into the intron after coding-DNA position 2577, G replaced by A.
Molecular consequence: intron variant.
Genome position (GRCh38, 1-based): chr2:24,826,035, C>T on the plus strand (G>A on the coding strand, the complement: ADCY3 is on the minus strand). VCF-style: chr2-24826035-C-T. GRCh37 (hg19) VCF-style: chr2-25048904-C-T.
Other names: c.2173-1499G>A (NM_001377130.1); c.2439+10G>A (NM_001377129.1); c.2580+10G>A (NM_001320613.2); c.2643+10G>A (NM_001377128.1); c.2577+10G>A (NM_001377132.1); c.1854+10G>A (NM_001377131.1).
Identifiers: ClinVar variation 3032688 (VCV003032688.2), dbSNP rs371984222, ClinGen allele CA1553693.

ClinVar aggregate classification (germline): Likely benign (0 of 4 stars; one submission).

Conditions:
ADCY3-related disorder. Also called: ADCY3-related condition.

Allele frequency attached by ClinVar (database versions not stated): gnomAD 0.00004; TOPMed 0.00005; gnomAD exomes 0.00006; ExAC 0.00008; ESP Exome Variant Server 0.00008.
gnomAD v4.1: 95 of 1,613,252 alleles (0.0059%); highest among the groups gnomAD compares: Middle Eastern, 0.016%; no homozygotes.

Submission:

PreventionGenetics, part of Exact Sciences
Classification: Likely benign for ADCY3-related condition. Last evaluated: 2022-05-10. Review status: no assertion criteria provided. Collection method: clinical testing. Allele origin: germline.
Comment: This variant is classified as likely benign based on ACMG/AMP sequence variant interpretation guidelines (Richards et al. 2015 PMID: 25741868, with internal and published modifications).